The following is an entry in ClinVar:

ClinVar aggregate classification (germline): Pathogenic. Review status: no assertion criteria provided (0 of 4 stars). 2 submissions from 2 submitters: Pathogenic (1). 1 of the submissions does not count toward it. Last evaluated 2007-05-01.

Conditions:
Cold-induced sweating syndrome 1 (CISS1). Also called: MUSCLE CONTRACTIONS, TETANOFORM, WITH CHARACTERISTIC FACE, CAMPTODACTYLY, HYPERTHERMIA, AND SUDDEN DEATH; CRLF1-Related Cold-Induced Sweating Syndrome including Crisponi Syndrome; Crisponi syndrome; CRISPONI/COLD-INDUCED SWEATING SYNDROME 1. Identifiers: Orphanet 1545, Orphanet 157820, MedGen C1848947, MONDO:0010091, OMIM 272430.

Submissions (2):

OMIM
Classification: Pathogenic for CRISPONI/COLD-INDUCED SWEATING SYNDROME 1. Last evaluated: 2007-05-01. Review status: no assertion criteria provided. Collection method: literature only. Allele origin: germline.

GeneReviews
No classification provided. Condition: Cold-induced sweating syndrome 1. Review status: no classification provided. Collection method: literature only. Allele origin: germline. Not counted in ClinVar's aggregate classification.
Comment: Founder variant in Sardinia, the variants c.226T>G and c.676dupA together are the most common in Sardinia, with a joint carrier frequency of 1.4%.

Literature cited by the submitters: PubMed 17436251 (cited by OMIM); PubMed 17436252 (cited by OMIM); PubMed 8723066 (cited by OMIM); PubMed 24488861 (cited by GeneReviews); PubMed 21370513 (cited by GeneReviews).

NM_004750.5(CRLF1):c.226T>G (p.Trp76Gly)

Gene: CRLF1 (cytokine receptor like factor 1; minus strand). Cytogenetic location: 19p13.11.
Variant type: single nucleotide variant.
Coding change: c.226T>G on transcript NM_004750.5 (MANE Select); coding-DNA position 226, T replaced by G.
Protein change: p.Trp76Gly; replaces tryptophan 76 with glycine.
Molecular consequence: missense variant.
Genome position (GRCh38, 1-based): chr19:18,599,736, A>C on the plus strand (T>G on the coding strand, the complement: CRLF1 is on the minus strand). VCF-style: chr19-18599736-A-C. GRCh37 (hg19) VCF-style: chr19-18710546-A-C.
Other names: short protein forms W76G.
Identifiers: ClinVar variation 5708 (VCV000005708.3), dbSNP rs137853143, ClinGen allele CA253574.
Genomic context (GRCh38, chr19:18,599,736, plus strand): 5'-AGGTGGAGGCGTTGAGTACACGGGAGAGCTCAGGGGGCAGGCGGCGCCCGTTGAGGGTCC[A>C]GTAGAGGCCCTCGGCGGTGGCTCCTGGTGGGTCTCCGTGCACTGAGCAGGTGGCCAGCAG-3'
Protein context (NP_004741.1, residues 66-86): PPGATAEGLY[Trp76Gly]TLNGRRLPPE